The following is an entry in ClinVar:

NM_001367624.2(ZNF469):c.7192T>C (p.Cys2398Arg)

Gene: ZNF469 (zinc finger protein 469; plus strand). Cytogenetic location: 16q24.2.
Variant type: single nucleotide variant.
Coding change: c.7192T>C on transcript NM_001367624.2 (MANE Select); coding-DNA position 7192, T replaced by C.
Protein change: p.Cys2398Arg; replaces cysteine 2398 with arginine.
Molecular consequence: missense variant.
Genome position (GRCh38, 1-based): chr16:88,434,662, T>C. VCF-style: chr16-88434662-T-C. GRCh37 (hg19) VCF-style: chr16-88501070-T-C.
Other names: NM_001127464.1:c.7108T>C; short protein forms C2398R.
Identifiers: ClinVar variation 1313704 (VCV001313704.2), dbSNP rs2142310564, ClinGen allele CA397108775.

ClinVar aggregate classification (germline): Uncertain significance (1 of 4 stars; one submission).

Submission:

GeneDx
Classification: Uncertain significance. Last evaluated: 2020-11-26. Review status: criteria provided, single submitter. Criteria: GeneDx Variant Classification Process June 2021. Collection method: clinical testing. Allele origin: germline. Affected: yes.
Comment: Not observed in large population cohorts (Lek et al., 2016); In silico analysis supports that this missense variant has a deleterious effect on protein structure/function; Has not been previously published as pathogenic or benign to our knowledge